The following is an entry in ClinVar:

ClinVar aggregate classification (germline): Pathogenic (1 of 4 stars; one submission).

Conditions:
Deficiency of acetyl-CoA acetyltransferase. Also called: 3-KETOTHIOLASE DEFICIENCY; 3-OXOTHIOLASE DEFICIENCY; Beta-ketothiolase deficiency; MITOCHONDRIAL ACETOACETYL-CoA THIOLASE DEFICIENCY. Identifiers: Orphanet 134, MedGen C1536500, MONDO:0008760, OMIM 203750. Disease mechanism: loss of function.

Submission:

Labcorp Genetics (formerly Invitae), Labcorp
Classification: Pathogenic for Deficiency of acetyl-CoA acetyltransferase. Last evaluated: 2021-05-04. Review status: criteria provided, single submitter. Criteria: Invitae Variant Classification Sherloc (09022015). Collection method: clinical testing. Allele origin: germline.
Comment: This sequence change affects a donor splice site in intron 8 of the ACAT1 gene. It is expected to disrupt RNA splicing. Variants that disrupt the donor or acceptor splice site typically lead to a loss of protein function (PMID: 16199547), and loss-of-function variants in ACAT1 are known to be pathogenic (PMID: 7749408). This variant is not present in population databases (ExAC no frequency). Disruption of this splice site has been observed in individual(s) with clinical features of Beta-ketothiolase deficiency (PMID: 1346617, Invitae). Algorithms developed to predict the effect of sequence changes on RNA splicing suggest that this variant may disrupt the consensus splice site, but this prediction has not been confirmed by published transcriptional studies. For these reasons, this variant has been classified as Pathogenic.

Literature cited by the submitters: PubMed 16199547; PubMed 7749408; PubMed 1346617.

NM_000019.4(ACAT1):c.826+2T>C

Gene: ACAT1 (acetyl-CoA acetyltransferase 1; plus strand). Cytogenetic location: 11q22.3.
Variant type: single nucleotide variant.
Coding change: c.826+2T>C on transcript NM_000019.4 (MANE Select); the canonical splice donor site of the intron after coding-DNA position 826, T replaced by C.
Molecular consequence: splice donor variant.
Genome position (GRCh38, 1-based): chr11:108,141,702, T>C. VCF-style: chr11-108141702-T-C. GRCh37 (hg19) VCF-style: chr11-108012429-T-C.
Other names: c.556+2T>C (NM_001386682.1, NM_001386681.1, NM_001386685.1 and 6 more transcripts); c.826+2T>C (NM_001386677.1); c.529+2T>C (NM_001386679.1); c.511+2T>C (NM_001386678.1).
Identifiers: ClinVar variation 1449779 (VCV001449779.8), dbSNP rs2077590197, ClinGen allele CA382507936.